The following is an entry in ClinVar:

ClinVar aggregate classification (germline): Uncertain significance (1 of 4 stars; one submission).

Conditions:
Inborn genetic diseases. Identifiers: MedGen C0950123, MeSH D030342.

Submission:

Ambry Genetics
Classification: Uncertain significance for Inborn genetic diseases. Last evaluated: 2022-05-10. Review status: criteria provided, single submitter. Criteria: Ambry Variant Classification Scheme 2023. Collection method: clinical testing. Allele origin: germline.
Comment: Occurs in the last base pair of the exon Based on insufficient or conflicting evidence, the clinical significance of this alteration remains unclear.

NM_001197104.2(KMT2A):c.11429G>T (p.Arg3810Leu)

Genes: KMT2A (lysine methyltransferase 2A; plus strand), TTC36-AS1 (TTC36 and KMT2A antisense RNA 1; minus strand). Cytogenetic location: 11q23.3.
Variant type: single nucleotide variant.
Coding change: c.11429G>T on transcript NM_001197104.2 (MANE Select); coding-DNA position 11429, G replaced by T.
Protein change: p.Arg3810Leu; replaces arginine 3810 with leucine.
Molecular consequence: missense variant.
Genome position (GRCh38, 1-based): chr11:118,520,064, G>T. VCF-style: chr11-118520064-G-T. GRCh37 (hg19) VCF-style: chr11-118390779-G-T.
Other names: c.11519G>T, p.Arg3840Leu (NM_001412597.1); c.11420G>T, p.Arg3807Leu (NM_005933.4); short protein forms R3807L, R3810L, R3840L.
Identifiers: ClinVar variation 2281552 (VCV002281552.2), dbSNP rs1555053012, ClinGen allele CA382833917.